The following is an entry in ClinVar:

ClinVar aggregate classification (germline): Uncertain significance. Review status: criteria provided, multiple submitters, no conflicts (2 of 4 stars). 6 submissions from 6 submitters: Uncertain significance (6). Last evaluated 2026-06-30.

Conditions:
Cardiomyopathy (CMYO). Also called: Cardiomyopathies. Identifiers: Orphanet 167848, MedGen C0878544, MONDO:0004994, HP:0001638. Inheritance: Various modes of inheritance.
Hypertrophic cardiomyopathy. Also called: HYPERTROPHIC MYOCARDIOPATHY. Identifiers: Orphanet 217569, MedGen C0007194, MeSH D002312, MONDO:0005045, HP:0001639.
Cardiovascular phenotype. Identifiers: MedGen CN230736.
Hypertrophic cardiomyopathy 4. Also called: Familial hypertrophic cardiomyopathy 4. Identifiers: MedGen C1861862, MONDO:0007268, OMIM 115197.
Left ventricular noncompaction 10 (LVNC10). Identifiers: Orphanet 154, Orphanet 54260, MedGen C3715165, MONDO:0014163, OMIM 615396.

Submissions (6):

Ambry Genetics
Classification: Uncertain significance for Cardiovascular phenotype. Last evaluated: 2026-06-30. Review status: criteria provided, single submitter. Criteria: Ambry Variant Classification Scheme 2023. Collection method: clinical testing. Allele origin: germline.
Comment: The p.R733L variant (also known as c.2198G>T), located in coding exon 23 of the MYBPC3 gene, results from a G to T substitution at nucleotide position 2198. The arginine at codon 733 is replaced by leucine, an amino acid with dissimilar properties. This variant was reported in individual(s) with features consistent with Fabry disease and hypertrophic cardiomyopathy (HCM) (Cecchi F et al. JAMA Cardiol, 2017 Oct;2:1147-1151). This amino acid position is not well conserved in available vertebrate species. In addition, this alteration is predicted to be tolerated by in silico analysis. Based on the available evidence, the clinical significance of this variant remains unclear.

Labcorp Genetics (formerly Invitae), Labcorp
Classification: Uncertain significance for Hypertrophic cardiomyopathy. Last evaluated: 2025-03-11. Review status: criteria provided, single submitter. Criteria: Invitae Variant Classification Sherloc (09022015). Collection method: clinical testing. Allele origin: germline.
Comment: This sequence change replaces arginine, which is basic and polar, with leucine, which is neutral and non-polar, at codon 733 of the MYBPC3 protein (p.Arg733Leu). This variant is present in population databases (rs534345197, gnomAD 0.003%). This variant has not been reported in the literature in individuals affected with MYBPC3-related conditions. ClinVar contains an entry for this variant (Variation ID: 924466). An algorithm developed to predict the effect of missense changes on protein structure and function (PolyPhen-2) suggests that this variant is likely to be disruptive. In summary, the available evidence is currently insufficient to determine the role of this variant in disease. Therefore, it has been classified as a Variant of Uncertain Significance.

All of Us Research Program, National Institutes of Health
Classification: Uncertain significance for Hypertrophic cardiomyopathy. Last evaluated: 2024-07-20. Review status: criteria provided, single submitter. Criteria: ACMG Guidelines, 2015. Collection method: clinical testing. Allele origin: germline. Inheritance: Autosomal dominant inheritance. Observed: 4 variant alleles, 4 heterozygotes.
Comment: This missense variant replaces arginine with leucine at codon 733 of the MYBPC3 protein. Computational prediction tools indicate that this variant has a neutral impact on protein structure and function. To our knowledge, functional studies have not been reported for this variant. This variant has been reported in one individual affected with hypertrophic cardiomyopathy who also carried a pathogenic variant in the GLA gene (PMID: 28793143); this MYBPC3 variant did not segregate with disease in one affected sibling. This variant has been identified in 3/248732 chromosomes in the general population by the Genome Aggregation Database (gnomAD). The available evidence is insufficient to determine the role of this variant in disease conclusively. Therefore, this variant is classified as a Variant of Uncertain Significance.

This study involves interpretation of variants in research participants for the purpose of population health screening. Participant phenotype was not available at the time of variant classification. Additional details can be found in publication PMID: 35346344, PMCID: PMC8962531

Color Diagnostics, LLC DBA Color Health
Classification: Uncertain significance for Cardiomyopathy. Last evaluated: 2024-02-21. Review status: criteria provided, single submitter. Criteria: ACMG Guidelines, 2015. Collection method: clinical testing. Allele origin: germline.
Comment: This missense variant replaces arginine with leucine at codon 733 of the MYBPC3 protein. Computational prediction tools indicate that this variant has a neutral impact on protein structure and function. To our knowledge, functional studies have not been reported for this variant. This variant has been reported in one individual affected with hypertrophic cardiomyopathy who also carried a pathogenic variant in the GLA gene (PMID: 28793143); this MYBPC3 variant did not segregate with disease in one affected sibling. This variant has been identified in 3/248732 chromosomes in the general population by the Genome Aggregation Database (gnomAD). The available evidence is insufficient to determine the role of this variant in disease conclusively. Therefore, this variant is classified as a Variant of Uncertain Significance.

Laboratory for Molecular Medicine, Mass General Brigham Personalized Medicine
Classification: Uncertain significance. Last evaluated: 2021-12-09. Review status: criteria provided, single submitter. Criteria: ACMG Guidelines, 2015. Collection method: clinical testing. Allele origin: germline.
Comment: The p.Arg733Leu variant in MYBPC3 has been reported in 1 individual with Fabry disease who also carried an additional pathogenic variant sufficient to explain their clinical presentation (Cecchi 2017 PMID: 28793143). It has also been identified in 0.003% (3/112696) of European chromosomes by gnomAD. Computational prediction tools and conservation analyses do not provide strong support for or against an impact to the protein. In summary, the clinical significance of this variant is uncertain. ACMG/AMP Criteria applied: BP5, PM2_Supporting.

Fulgent Genetics
Classification: Uncertain significance for Hypertrophic cardiomyopathy 4; Left ventricular noncompaction 10. Last evaluated: 2021-10-06. Review status: criteria provided, single submitter. Criteria: ACMG Guidelines, 2015. Collection method: clinical testing. Allele origin: unknown.

Literature cited by the submitters: PubMed 28793143 (cited by 4 submitters).

NM_000256.3(MYBPC3):c.2198G>T (p.Arg733Leu)

Gene: MYBPC3 (myosin binding protein C3; minus strand). Cytogenetic location: 11p11.2.
Variant type: single nucleotide variant.
Coding change: c.2198G>T on transcript NM_000256.3 (MANE Select); coding-DNA position 2198, G replaced by T.
Protein change: p.Arg733Leu; replaces arginine 733 with leucine.
Molecular consequence: missense variant.
Genome position (GRCh38, 1-based): chr11:47,338,630, C>A on the plus strand (G>T on the coding strand, the complement: MYBPC3 is on the minus strand). VCF-style: chr11-47338630-C-A. GRCh37 (hg19) VCF-style: chr11-47360181-C-A.
Other names: short protein forms R733L.
Identifiers: ClinVar variation 924466 (VCV000924466.17), dbSNP rs534345197, ClinGen allele CA078583.